The following is an entry in ClinVar:

ClinVar aggregate classification (germline): Pathogenic (1 of 4 stars; one submission).

Conditions:
Nemaline myopathy 2 (NEM2). Also called: Nemaline myopathy 2, autosomal recessive. Identifiers: MedGen C1850569, MONDO:0009725, OMIM 256030.

Submission:

Labcorp Genetics (formerly Invitae), Labcorp
Classification: Pathogenic for Nemaline myopathy 2. Last evaluated: 2023-01-14. Review status: criteria provided, single submitter. Criteria: Invitae Variant Classification Sherloc (09022015). Collection method: clinical testing. Allele origin: germline.
Comment: For these reasons, this variant has been classified as Pathogenic. This variant has not been reported in the literature in individuals affected with NEB-related conditions. This variant is not present in population databases (gnomAD no frequency). This sequence change creates a premature translational stop signal (p.Trp6061*) in the NEB gene. It is expected to result in an absent or disrupted protein product. Loss-of-function variants in NEB are known to be pathogenic (PMID: 25205138).

Literature cited by the submitters: PubMed 25205138.

NM_001164508.2(NEB):c.18183G>A (p.Trp6061Ter)

Gene: NEB (nebulin; minus strand). Cytogenetic location: 2q23.3.
Variant type: single nucleotide variant.
Coding change: c.18183G>A on transcript NM_001164508.2 (MANE Select); coding-DNA position 18183, G replaced by A.
Protein change: p.Trp6061Ter; replaces tryptophan 6061 with a stop codon.
Molecular consequence: nonsense.
Genome position (GRCh38, 1-based): chr2:151,565,794, C>T on the plus strand (G>A on the coding strand, the complement: NEB is on the minus strand). VCF-style: chr2-151565794-C-T. GRCh37 (hg19) VCF-style: chr2-152422308-C-T.
Other names: c.18183G>A, p.Trp6061Ter (NM_001164507.2, NM_001271208.2); c.13080G>A, p.Trp4360Ter (NM_004543.5); short protein forms W6061*, W4360*.
Identifiers: ClinVar variation 2778872 (VCV002778872.3), dbSNP rs2552192687, ClinGen allele CA348802518.
Genomic context (GRCh38, chr2:151,565,794, plus strand): 5'-GTTCTTAGTAACCCTTACATGGTCCACAGAATCCAGTGGGATCCAGCCAATGCCTCGGAG[C>T]CACTCCAGGTCAGCTCTGTAGACATTCTGAGAGCAGGAAGAGAGATATAATGGAGGAATA-3'